The following is an entry in ClinVar:

ClinVar aggregate classification (germline): Uncertain significance (1 of 4 stars; one submission).

Conditions:
Neurodegeneration with brain iron accumulation 6 (NBIA6). Also called: COASY protein-associated neurodegeneration. Identifiers: Orphanet 397725, MedGen C4517377, MONDO:0014290, OMIM 615643.

Allele frequency attached by ClinVar (database versions not stated): gnomAD exomes below 0.00001; ExAC 0.00001; gnomAD 0.00001; TOPMed 0.00001; 1000 Genomes Project 30x 0.00016.

Submission:

Baylor Genetics
Classification: Uncertain significance for Neurodegeneration with brain iron accumulation 6. Last evaluated: 2018-03-26. Review status: criteria provided, single submitter. Criteria: ACMG Guidelines, 2015. Collection method: clinical testing. Allele origin: unknown. Affected: yes.
Comment: This variant was determined to be of uncertain significance according to ACMG Guidelines, 2015 [PMID:25741868].

NM_025233.7(COASY):c.-141C>T

Gene: COASY (Coenzyme A synthase; plus strand). Cytogenetic location: 17q21.2.
Variant type: single nucleotide variant.
Coding change: c.-141C>T on transcript NM_025233.7 (MANE Select); 141 bases upstream of the start codon, C replaced by T.
Molecular consequence: 5 prime UTR variant. On other transcripts: missense variant (1), intron variant (1).
Genome position (GRCh38, 1-based): chr17:42,562,482, C>T. VCF-style: chr17-42562482-C-T. GRCh37 (hg19) VCF-style: chr17-40714500-C-T.
Other names: c.71C>T, p.Pro24Leu (NM_001042532.4); c.-11-130C>T (NM_001042529.3); short protein forms P24L.
Identifiers: ClinVar variation 1031434 (VCV001031434.1), dbSNP rs759611664, ClinGen allele CA8577858.